The following is an entry in ClinVar:

ClinVar aggregate classification (germline): Uncertain significance (1 of 4 stars; one submission).

Conditions:
CHD1L-related disorder. Also called: CHD1L-related condition.

gnomAD v4.1: 11 of 1,606,530 alleles (0.00068%); highest among the groups gnomAD compares: Non-Finnish European, 0.00093%; no homozygotes.

Submission:

PreventionGenetics, part of Exact Sciences
Classification: Uncertain significance for CHD1L-related condition. Last evaluated: 2025-08-22. Review status: criteria provided, single submitter. Criteria: ACMG Guidelines, 2015. Collection method: clinical testing. Allele origin: germline.
Comment: The CHD1L c.1682G>A variant is predicted to result in the amino acid substitution p.Gly561Glu. To our knowledge, this variant has not been reported in the literature. This variant is reported in 0.0018% of alleles in individuals of European (Non-Finnish) descent in gnomAD. At this time, the clinical significance of this variant is uncertain due to the absence of conclusive functional and genetic evidence.

NM_004284.6(CHD1L):c.1682G>A (p.Gly561Glu)

Gene: CHD1L (chromodomain helicase DNA binding protein 1 like; plus strand). Cytogenetic location: 1q21.1.
Variant type: single nucleotide variant.
Coding change: c.1682G>A on transcript NM_004284.6 (MANE Select); coding-DNA position 1682, G replaced by A.
Protein change: p.Gly561Glu; replaces glycine 561 with glutamic acid.
Molecular consequence: missense variant. On other transcripts: non-coding transcript variant (15).
Genome position (GRCh38, 1-based): chr1:147,280,168, G>A. VCF-style: chr1-147280168-G-A. GRCh37 (hg19) VCF-style: chr1-146751841-G-A.
Other names: c.1382G>A, p.Gly461Glu (NM_001256336.3); c.839G>A, p.Gly280Glu (NM_001256337.3, NM_001348456.2, NM_001348457.2 and 9 more transcripts); c.1070G>A, p.Gly357Glu (NM_001256338.3); c.1466G>A, p.Gly489Glu (NM_001348451.2, NM_001348452.2); c.1343G>A, p.Gly448Glu (NM_001348453.2, NM_024568.4); c.1226G>A, p.Gly409Glu (NM_001348454.2); c.1193G>A, p.Gly398Glu (NM_001348455.2); short protein forms G409E, G448E, G489E, G561E, G280E, G461E, G398E, G357E.
Identifiers: ClinVar variation 4993466 (VCV004993466.1).